The following is an entry in ClinVar:

NM_013275.6(ANKRD11):c.6155A>G (p.Glu2052Gly)

Gene: ANKRD11 (ankyrin repeat domain 11; minus strand). Cytogenetic location: 16q24.3.
Variant type: single nucleotide variant.
Coding change: c.6155A>G on transcript NM_013275.6 (MANE Select); coding-DNA position 6155, A replaced by G.
Protein change: p.Glu2052Gly; replaces glutamic acid 2052 with glycine.
Molecular consequence: missense variant.
Genome position (GRCh38, 1-based): chr16:89,280,387, T>C on the plus strand (A>G on the coding strand, the complement: ANKRD11 is on the minus strand). VCF-style: chr16-89280387-T-C. GRCh37 (hg19) VCF-style: chr16-89346795-T-C.
Other names: c.6155A>G, p.Glu2052Gly (NM_001256182.2, NM_001256183.2); short protein forms E2052G.
Identifiers: ClinVar variation 1719731 (VCV001719731.5), dbSNP rs2544223913, ClinGen allele CA397151938.

ClinVar aggregate classification (germline): Uncertain significance (1 of 4 stars; one submission).

Conditions:
KBG syndrome (KBGS). Also called: ANKRD11-Related KBG Syndrome. Identifiers: Orphanet 2332, MedGen C0220687, MONDO:0007846, OMIM 148050.

gnomAD v4.1: 1 of 1,562,012 alleles (0.000064%); highest among the groups gnomAD compares: Non-Finnish European, 0.000087%; no homozygotes.

Submission:

Labcorp Genetics (formerly Invitae), Labcorp
Classification: Uncertain significance for KBG syndrome. Last evaluated: 2023-01-23. Review status: criteria provided, single submitter. Criteria: Invitae Variant Classification Sherloc (09022015). Collection method: clinical testing. Allele origin: germline.
Comment: This sequence change replaces glutamic acid, which is acidic and polar, with glycine, which is neutral and non-polar, at codon 2052 of the ANKRD11 protein (p.Glu2052Gly). This variant is not present in population databases (gnomAD no frequency). This variant has not been reported in the literature in individuals affected with ANKRD11-related conditions. ClinVar contains an entry for this variant (Variation ID: 1719731). Advanced modeling of protein sequence and biophysical properties (such as structural, functional, and spatial information, amino acid conservation, physicochemical variation, residue mobility, and thermodynamic stability) performed at Invitae indicates that this missense variant is not expected to disrupt ANKRD11 protein function. In summary, the available evidence is currently insufficient to determine the role of this variant in disease. Therefore, it has been classified as a Variant of Uncertain Significance.